The following is an entry in ClinVar:

ClinVar aggregate classification (germline): Uncertain significance (1 of 4 stars; one submission).

gnomAD v4.1: 2 of 1,199,569 alleles (0.00017%); highest among the groups gnomAD compares: South Asian, 0.0036%; no homozygotes.

Submission:

GeneDx
Classification: Uncertain significance. Last evaluated: 2024-06-30. Review status: criteria provided, single submitter. Criteria: GeneDx Variant Classification Process June 2021. Collection method: clinical testing. Allele origin: germline. Affected: yes.
Comment: Not observed at significant frequency in large population cohorts (gnomAD); In silico analysis indicates that this missense variant does not alter protein structure/function; Has not been previously published as pathogenic or benign to our knowledge

NM_014927.5(CNKSR2):c.2074G>A (p.Ala692Thr)

Gene: CNKSR2 (connector enhancer of kinase suppressor of Ras 2; plus strand). Cytogenetic location: Xp22.12.
Variant type: single nucleotide variant.
Coding change: c.2074G>A on transcript NM_014927.5 (MANE Select); coding-DNA position 2074, G replaced by A.
Protein change: p.Ala692Thr; replaces alanine 692 with threonine.
Molecular consequence: missense variant.
Genome position (GRCh38, 1-based): chrX:21,606,808, G>A. VCF-style: chrX-21606808-G-A. GRCh37 (hg19) VCF-style: chrX-21624926-G-A.
Other names: c.1984G>A, p.Ala662Thr (NM_001168647.3, NM_001330773.2); c.2074G>A, p.Ala692Thr (NM_001168648.3); c.1927G>A, p.Ala643Thr (NM_001168649.3, NM_001330770.2); c.1837G>A, p.Ala613Thr (NM_001330771.2, NM_001330772.2); short protein forms A613T, A643T, A662T, A692T.
Identifiers: ClinVar variation 3393613 (VCV003393613.1).